The following is an entry in ClinVar:

NM_004958.4(MTOR):c.3888A>G (p.Ser1296=)

Gene: MTOR (mechanistic target of rapamycin kinase; minus strand). Cytogenetic location: 1p36.22.
Variant type: single nucleotide variant.
Coding change: c.3888A>G on transcript NM_004958.4 (MANE Select); coding-DNA position 3888, A replaced by G.
Protein change: p.Ser1296=; no amino-acid change (serine 1296 retained).
Molecular consequence: synonymous variant.
Genome position (GRCh38, 1-based): chr1:11,204,617, T>C on the plus strand (A>G on the coding strand, the complement: MTOR is on the minus strand). VCF-style: chr1-11204617-T-C. GRCh37 (hg19) VCF-style: chr1-11264674-T-C.
Identifiers: ClinVar variation 743303 (VCV000743303.15), dbSNP rs766370628, ClinGen allele CA590101.
Genomic context (GRCh38, chr1:11,204,617, plus strand): 5'-ATACCTGGCCATCGGGTTGTAGGCCTGTGCCAGGGCCCAGCAGGAGCGCAGGGAGGGCGA[T>C]GATGAGTCCTTCAGCAGCTCCAGGCTCAGCCGTCTCAGCCATTCCAGCCAGTCATCTTTG-3'
Protein context (NP_004949.1, residues 1286-1306): RLSLELLKDS[Ser1296=]SPSLRSCWAL

ClinVar aggregate classification (germline): Likely benign. Review status: criteria provided, multiple submitters, no conflicts (2 of 4 stars). 4 submissions from 4 submitters: Likely benign (4). Last evaluated 2026-09-01.

Allele frequency attached by ClinVar (database versions not stated): gnomAD 0.00001 and 0.00003; gnomAD exomes 0.00001 and 0.00006; TOPMed 0.00003; ExAC 0.00007.
gnomAD v4.1: 21 of 1,614,230 alleles (0.0013%); highest among the groups gnomAD compares: Admixed American, 0.028%; no homozygotes.

Submissions (4):

CeGaT Center for Human Genetics Tuebingen
Classification: Likely benign. Last evaluated: 2026-09-01. Review status: criteria provided, single submitter. Criteria: CeGaT Center For Human Genetics Tuebingen Variant Classification Criteria Version 2. Collection method: clinical testing. Allele origin: germline. Affected: yes. Observed: 2 variant alleles.
Comment: MTOR: BP4, BP7

Labcorp Genetics (formerly Invitae), Labcorp
Classification: Likely benign. Last evaluated: 2025-11-25. Review status: criteria provided, single submitter. Criteria: Invitae Variant Classification Sherloc (09022015). Collection method: clinical testing. Allele origin: germline.

Women's Health and Genetics/Laboratory Corporation of America, LabCorp
Classification: Likely benign. Last evaluated: 2025-06-13. Review status: criteria provided, single submitter. Criteria: LabCorp Variant Classification Summary - May 2015. Collection method: clinical testing. Allele origin: germline.

GeneDx
Classification: Likely benign. Last evaluated: 2020-07-10. Review status: criteria provided, single submitter. Criteria: GeneDx Variant Classification Process June 2021. Collection method: clinical testing. Allele origin: germline. Affected: yes.